The following is an entry in ClinVar:

ClinVar aggregate classification (germline): Uncertain significance (1 of 4 stars; one submission).

Conditions:
Mitochondrial complex V (ATP synthase) deficiency, nuclear type 2. Also called: ENCEPHALOCARDIOMYOPATHY, MITOCHONDRIAL, NEONATAL, DUE TO ATP SYNTHASE DEFICIENCY; Nuclear-Encoded ATPase Deficiency, TMEM70-Related; MITOCHONDRIAL COMPLEX V (ATP SYNTHASE) DEFICIENCY, TMEM70 TYPE. Identifiers: Orphanet 1194, MedGen C3279699, MONDO:0013546, OMIM 614052.

Submission:

Labcorp Genetics (formerly Invitae), Labcorp
Classification: Uncertain significance for Mitochondrial complex V (ATP synthase) deficiency, nuclear type 2. Last evaluated: 2025-01-15. Review status: criteria provided, single submitter. Criteria: Invitae Variant Classification Sherloc (09022015). Collection method: clinical testing. Allele origin: germline.
Comment: This sequence change replaces tyrosine, which is neutral and polar, with cysteine, which is neutral and slightly polar, at codon 232 of the TMEM70 protein (p.Tyr232Cys). This variant is not present in population databases (gnomAD no frequency). This variant has not been reported in the literature in individuals affected with TMEM70-related conditions. Invitae Evidence Modeling of protein sequence and biophysical properties (such as structural, functional, and spatial information, amino acid conservation, physicochemical variation, residue mobility, and thermodynamic stability) indicates that this missense variant is expected to disrupt TMEM70 protein function with a positive predictive value of 80%. In summary, the available evidence is currently insufficient to determine the role of this variant in disease. Therefore, it has been classified as a Variant of Uncertain Significance.

NM_017866.6(TMEM70):c.695A>G (p.Tyr232Cys)

Gene: TMEM70 (transmembrane protein 70; plus strand). Cytogenetic location: 8q21.11.
Variant type: single nucleotide variant.
Coding change: c.695A>G on transcript NM_017866.6 (MANE Select); coding-DNA position 695, A replaced by G.
Protein change: p.Tyr232Cys; replaces tyrosine 232 with cysteine.
Molecular consequence: missense variant. On other transcripts: 3 prime UTR variant (1), non-coding transcript variant (1).
Genome position (GRCh38, 1-based): chr8:73,981,533, A>G. VCF-style: chr8-73981533-A-G. GRCh37 (hg19) VCF-style: chr8-74893768-A-G.
Other names: c.*385A>G (NM_001040613.3); short protein forms Y232C.
Identifiers: ClinVar variation 3654838 (VCV003654838.2).